The following is an entry in ClinVar:

NM_006904.7(PRKDC):c.1857T>G (p.Asp619Glu)

Gene: PRKDC (protein kinase, DNA-activated, catalytic subunit; minus strand). Cytogenetic location: 8q11.21.
Variant type: single nucleotide variant.
Coding change: c.1857T>G on transcript NM_006904.7 (MANE Select); coding-DNA position 1857, T replaced by G.
Protein change: p.Asp619Glu; replaces aspartic acid 619 with glutamic acid.
Molecular consequence: missense variant.
Genome position (GRCh38, 1-based): chr8:47,930,707, A>C on the plus strand (T>G on the coding strand, the complement: PRKDC is on the minus strand). VCF-style: chr8-47930707-A-C. GRCh37 (hg19) VCF-style: chr8-48843267-A-C.
Other names: c.1857T>G, p.Asp619Glu (NM_001081640.2); short protein forms D619E.
Identifiers: ClinVar variation 3310194 (VCV003310194.1).

ClinVar aggregate classification (germline): Uncertain significance (1 of 4 stars; one submission).

Submission:

Ambry Genetics
Classification: Uncertain significance. Last evaluated: 2024-06-23. Review status: criteria provided, single submitter. Criteria: Ambry Variant Classification Scheme 2023. Collection method: clinical testing. Allele origin: germline.
Comment: The p.D619E variant (also known as c.1857T>G), located in coding exon 17 of the PRKDC gene, results from a T to G substitution at nucleotide position 1857. The aspartic acid at codon 619 is replaced by glutamic acid, an amino acid with highly similar properties. This amino acid position is conserved. In addition, the in silico prediction for this alteration is inconclusive. Based on the available evidence, the clinical significance of this variant remains unclear.